The following is an entry in ClinVar:

ClinVar aggregate classification (germline): Uncertain significance (1 of 4 stars; one submission).

Submission:

Labcorp Genetics (formerly Invitae), Labcorp
Classification: Uncertain significance. Last evaluated: 2021-08-07. Review status: criteria provided, single submitter. Criteria: Invitae Variant Classification Sherloc (09022015). Collection method: clinical testing. Allele origin: germline.
Comment: This variant has not been reported in the literature in individuals affected with SETBP1-related conditions. This variant is not present in population databases (ExAC no frequency). This sequence change replaces asparagine with lysine at codon 74 of the SETBP1 protein (p.Asn74Lys). The asparagine residue is highly conserved and there is a moderate physicochemical difference between asparagine and lysine. Algorithms developed to predict the effect of missense changes on protein structure and function are either unavailable or do not agree on the potential impact of this missense change (SIFT: "Deleterious"; PolyPhen-2: "Probably Damaging"; Align-GVGD: "Class C0"). In summary, the available evidence is currently insufficient to determine the role of this variant in disease. Therefore, it has been classified as a Variant of Uncertain Significance. Algorithms developed to predict the effect of sequence changes on RNA splicing suggest that this variant may create or strengthen a splice site.

NM_015559.3(SETBP1):c.222C>A (p.Asn74Lys)

Gene: SETBP1 (SET binding protein 1; plus strand). Cytogenetic location: 18q12.3.
Variant type: single nucleotide variant.
Coding change: c.222C>A on transcript NM_015559.3 (MANE Select); coding-DNA position 222, C replaced by A.
Protein change: p.Asn74Lys; replaces asparagine 74 with lysine.
Molecular consequence: missense variant.
Genome position (GRCh38, 1-based): chr18:44,701,568, C>A. VCF-style: chr18-44701568-C-A. GRCh37 (hg19) VCF-style: chr18-42281533-C-A.
Other names: c.222C>A, p.Asn74Lys (NM_001130110.2, NM_001379141.1, NM_001379142.1); short protein forms N74K.
Identifiers: ClinVar variation 1420626 (VCV001420626.6), dbSNP rs151108179, ClinGen allele CA402481688.
Genomic context (GRCh38, chr18:44,701,568, plus strand): 5'-CATGGAGCCAGAGGAGGAGGATGAACTAGGCTCAGGGCGGGATGTGGATTCCAACTCCAA[C>A]GCGGACAGTGAGAAATGGGTGGCAGGAGATGGTTTGGAAGAGCAGGAATTTTCTATCAAG-3'
Protein context (NP_056374.2, residues 64-84): GSGRDVDSNS[Asn74Lys]ADSEKWVAGD